The following is an entry in ClinVar:

NM_006205.3(PDE6H):c.59G>T (p.Arg20Leu)

Gene: PDE6H (phosphodiesterase 6H; plus strand). Cytogenetic location: 12p12.3.
Variant type: single nucleotide variant.
Coding change: c.59G>T on transcript NM_006205.3 (MANE Select); coding-DNA position 59, G replaced by T.
Protein change: p.Arg20Leu; replaces arginine 20 with leucine.
Molecular consequence: missense variant.
Genome position (GRCh38, 1-based): chr12:14,978,071, G>T. VCF-style: chr12-14978071-G-T. GRCh37 (hg19) VCF-style: chr12-15131005-G-T.
Other names: short protein forms R20L.
Identifiers: ClinVar variation 1348429 (VCV001348429.8), dbSNP rs775561506, ClinGen allele CA6465842.

ClinVar aggregate classification (germline): Uncertain significance (1 of 4 stars; one submission).

Allele frequency attached by ClinVar (database versions not stated): ExAC 0.00001.
gnomAD v4.1: 3 of 1,613,514 alleles (0.00019%); highest among the groups gnomAD compares: South Asian, 0.0022%; no homozygotes.

Submission:

Labcorp Genetics (formerly Invitae), Labcorp
Classification: Uncertain significance. Last evaluated: 2025-08-15. Review status: criteria provided, single submitter. Criteria: Invitae Variant Classification Sherloc (09022015). Collection method: clinical testing. Allele origin: germline.
Comment: This sequence change replaces arginine, which is basic and polar, with leucine, which is neutral and non-polar, at codon 20 of the PDE6H protein (p.Arg20Leu). This variant is not present in population databases (gnomAD no frequency). This variant has not been reported in the literature in individuals affected with PDE6H-related conditions. ClinVar contains an entry for this variant (Variation ID: 1348429). An algorithm developed to predict the effect of missense changes on protein structure and function (PolyPhen-2) suggests that this variant is likely to be disruptive. In summary, the available evidence is currently insufficient to determine the role of this variant in disease. Therefore, it has been classified as a Variant of Uncertain Significance.